The following is an entry in ClinVar:

NM_004958.4(MTOR):c.2515G>C (p.Val839Leu)

Gene: MTOR (mechanistic target of rapamycin kinase; minus strand). Cytogenetic location: 1p36.22.
Variant type: single nucleotide variant.
Coding change: c.2515G>C on transcript NM_004958.4 (MANE Select); coding-DNA position 2515, G replaced by C.
Protein change: p.Val839Leu; replaces valine 839 with leucine.
Molecular consequence: missense variant.
Genome position (GRCh38, 1-based): chr1:11,231,434, C>G on the plus strand (G>C on the coding strand, the complement: MTOR is on the minus strand). VCF-style: chr1-11231434-C-G. GRCh37 (hg19) VCF-style: chr1-11291491-C-G.
Other names: c.2515G>C, p.Val839Leu (NM_001386500.1); c.1267G>C, p.Val423Leu (NM_001386501.1); short protein forms V423L, V839L.
Identifiers: ClinVar variation 4735905 (VCV004735905.1).

ClinVar aggregate classification (germline): Uncertain significance (1 of 4 stars; one submission).

Submission:

Labcorp Genetics (formerly Invitae), Labcorp
Classification: Uncertain significance. Last evaluated: 2026-01-21. Review status: criteria provided, single submitter. Criteria: Invitae Variant Classification Sherloc (09022015). Collection method: clinical testing. Allele origin: germline.
Comment: This sequence change replaces valine, which is neutral and non-polar, with leucine, which is neutral and non-polar, at codon 839 of the MTOR protein (p.Val839Leu). This variant is not present in population databases (gnomAD no frequency). This variant has not been reported in the literature in individuals affected with MTOR-related conditions. An algorithm developed to predict the effect of missense changes on protein structure and function (PolyPhen-2) suggests that this variant is likely to be tolerated. Algorithms developed to predict the effect of sequence changes on RNA splicing suggest that this variant may disrupt the consensus splice site. In summary, the available evidence is currently insufficient to determine the role of this variant in disease. Therefore, it has been classified as a Variant of Uncertain Significance.